The following is an entry in ClinVar:

NM_001148.6(ANK2):c.11098T>G (p.Ser3700Ala)

Gene: ANK2 (ankyrin 2; plus strand). Cytogenetic location: 4q26.
Variant type: single nucleotide variant.
Coding change: c.11098T>G on transcript NM_001148.6 (MANE Select); coding-DNA position 11098, T replaced by G.
Protein change: p.Ser3700Ala; replaces serine 3700 with alanine.
Molecular consequence: missense variant.
Genome position (GRCh38, 1-based): chr4:113,367,631, T>G. VCF-style: chr4-113367631-T-G. GRCh37 (hg19) VCF-style: chr4-114288787-T-G.
Other names: c.4816T>G, p.Ser1606Ala (NM_001127493.3); c.4855T>G, p.Ser1619Ala (NM_001354225.2); c.4744T>G, p.Ser1582Ala (NM_001354228.2, NM_001354258.2); c.4822T>G, p.Ser1608Ala (NM_001354230.2); c.4885T>G, p.Ser1629Ala (NM_001354231.2, NM_001354242.2); c.4879T>G, p.Ser1627Ala (NM_001354232.2); c.4840T>G, p.Ser1614Ala (NM_001354235.2, NM_001354246.2, NM_001354265.2); c.4741T>G, p.Ser1581Ala (NM_001354236.2); and 35 more; short protein forms S1487A, S1515A, S1520A, S1528A, S1537A, S1540A, S1544A, S1549A.
Identifiers: ClinVar variation 975632 (VCV000975632.7), dbSNP rs1438803009, ClinGen allele CA357941959.

ClinVar aggregate classification (germline): Uncertain significance. Review status: criteria provided, multiple submitters, no conflicts (2 of 4 stars). 3 submissions from 3 submitters: Uncertain significance (2). 1 of the submissions does not count toward it. Last evaluated 2025-04-11.

Conditions:
Intellectual disability. Also called: intellectual disabilities; Intellectual developmental disorder; Intellectual functioning disability. Identifiers: MedGen C3714756, MeSH D008607, MONDO:0001071, HP:0001249.
Cardiovascular phenotype. Identifiers: MedGen CN230736.
Long QT syndrome (LQTS). Identifiers: MedGen C0023976, MeSH D008133, MONDO:0002442. Disease mechanism: loss of function. Inheritance: Various modes of inheritance.

Allele frequency attached by ClinVar (database versions not stated): gnomAD exomes 0.00002 and 0.00003; TOPMed 0.00001.
gnomAD v4.1: 24 of 1,613,940 alleles (0.0015%); highest among the groups gnomAD compares: Non-Finnish European, 0.0019%; no homozygotes.

Submissions (3):

Labcorp Genetics (formerly Invitae), Labcorp
Classification: Uncertain significance for Long QT syndrome. Last evaluated: 2025-04-11. Review status: criteria provided, single submitter. Criteria: Invitae Variant Classification Sherloc (09022015). Collection method: clinical testing. Allele origin: germline.
Comment: This sequence change replaces serine, which is neutral and polar, with alanine, which is neutral and non-polar, at codon 3700 of the ANK2 protein (p.Ser3700Ala). This variant is present in population databases (no rsID available, gnomAD 0.006%). This variant has not been reported in the literature in individuals affected with ANK2-related conditions. ClinVar contains an entry for this variant (Variation ID: 975632). Invitae Evidence Modeling of protein sequence and biophysical properties (such as structural, functional, and spatial information, amino acid conservation, physicochemical variation, residue mobility, and thermodynamic stability) indicates that this missense variant is not expected to disrupt ANK2 protein function with a negative predictive value of 80%. In summary, the available evidence is currently insufficient to determine the role of this variant in disease. Therefore, it has been classified as a Variant of Uncertain Significance.

Ambry Genetics
Classification: Uncertain significance for Cardiovascular phenotype. Last evaluated: 2023-12-29. Review status: criteria provided, single submitter. Criteria: Ambry Variant Classification Scheme 2023. Collection method: clinical testing. Allele origin: germline.
Comment: The p.S3700A variant (also known as c.11098T>G), located in coding exon 42 of the ANK2 gene, results from a T to G substitution at nucleotide position 11098. The serine at codon 3700 is replaced by alanine, an amino acid with similar properties. This amino acid position is conserved. In addition, the in silico prediction for this alteration is inconclusive. Since supporting evidence is limited at this time, the clinical significance of this alteration remains unclear.

Centre de Biologie Pathologie Génétique, Centre Hospitalier Universitaire de Lille
Classification: Likely benign for Intellectual disability. Last evaluated: 2019-01-01. Review status: no assertion criteria provided. Collection method: clinical testing. Allele origin: inherited. Affected: yes. Not counted in ClinVar's aggregate classification.